The following is an entry in ClinVar:

ClinVar aggregate classification (germline): Uncertain significance. Review status: criteria provided, multiple submitters, no conflicts (2 of 4 stars). 2 submissions from 2 submitters: Uncertain significance (2). Last evaluated 2025-02-03.

Conditions:
Neurodevelopmental disorder with nonspecific brain abnormalities and with or without seizures. Identifiers: MedGen C5231470, MONDO:0032877, OMIM 618709.

gnomAD v4.1: 3 of 1,614,224 alleles (0.00019%); highest among the groups gnomAD compares: Non-Finnish European, 0.00017%; no homozygotes.

Submissions (2):

Labcorp Genetics (formerly Invitae), Labcorp
Classification: Uncertain significance. Last evaluated: 2025-02-03. Review status: criteria provided, single submitter. Criteria: Invitae Variant Classification Sherloc (09022015). Collection method: clinical testing. Allele origin: germline.
Comment: This sequence change replaces isoleucine, which is neutral and non-polar, with threonine, which is neutral and polar, at codon 225 of the DLL1 protein (p.Ile225Thr). This variant is not present in population databases (gnomAD no frequency). This variant has not been reported in the literature in individuals affected with DLL1-related conditions. ClinVar contains an entry for this variant (Variation ID: 2967771). An algorithm developed to predict the effect of missense changes on protein structure and function (PolyPhen-2) suggests that this variant is likely to be disruptive. In summary, the available evidence is currently insufficient to determine the role of this variant in disease. Therefore, it has been classified as a Variant of Uncertain Significance.

Laboratorio de Genetica e Diagnostico Molecular, Hospital Israelita Albert Einstein
Classification: Uncertain significance for Neurodevelopmental disorder with nonspecific brain abnormalities and with or without seizures. Last evaluated: 2024-03-01. Review status: criteria provided, single submitter. Criteria: ACMG Guidelines, 2015. Collection method: clinical testing. Allele origin: germline. Affected: yes.
Comment: ACMG classification criteria: PM2 supporting, BP4 supporting

NM_005618.4(DLL1):c.674T>C (p.Ile225Thr)

Gene: DLL1 (delta like canonical Notch ligand 1; minus strand). Cytogenetic location: 6q27.
Variant type: single nucleotide variant.
Coding change: c.674T>C on transcript NM_005618.4 (MANE Select); coding-DNA position 674, T replaced by C.
Protein change: p.Ile225Thr; replaces isoleucine 225 with threonine.
Molecular consequence: missense variant.
Genome position (GRCh38, 1-based): chr6:170,286,295, A>G on the plus strand (T>C on the coding strand, the complement: DLL1 is on the minus strand). VCF-style: chr6-170286295-A-G. GRCh37 (hg19) VCF-style: chr6-170595383-A-G.
Other names: short protein forms I225T.
Identifiers: ClinVar variation 2967771 (VCV002967771.4), dbSNP rs776493746, ClinGen allele CA152192931.